The following is an entry in ClinVar:

ClinVar aggregate classification (germline): Uncertain significance. Review status: criteria provided, multiple submitters, no conflicts (2 of 4 stars). 2 submissions from 2 submitters: Uncertain significance (2). Last evaluated 2025-03-04.

Allele frequency attached by ClinVar (database versions not stated): gnomAD exomes below 0.00001.
gnomAD v4.1: 2 of 1,614,160 alleles (0.00012%); highest among the groups gnomAD compares: Non-Finnish European, 0.00017%; no homozygotes.

Submissions (2):

Center for Genomic Medicine, Rigshospitalet, Copenhagen University Hospital
Classification: Uncertain significance. Last evaluated: 2025-03-04. Review status: criteria provided, single submitter. Criteria: ACMG Guidelines, 2015. Collection method: clinical testing. Allele origin: germline.

GeneDx
Classification: Uncertain significance. Last evaluated: 2023-01-17. Review status: criteria provided, single submitter. Criteria: GeneDx Variant Classification Process June 2021. Collection method: clinical testing. Allele origin: germline. Affected: yes.
Comment: Not observed at significant frequency in large population cohorts (gnomAD); In silico analysis supports that this missense variant does not alter protein structure/function; Has not been previously published as pathogenic or benign to our knowledge

NM_024675.4(PALB2):c.2113T>C (p.Tyr705His)

Gene: PALB2 (partner and localizer of BRCA2; minus strand). Cytogenetic location: 16p12.2.
Variant type: single nucleotide variant.
Coding change: c.2113T>C on transcript NM_024675.4 (MANE Select); coding-DNA position 2113, T replaced by C.
Protein change: p.Tyr705His; replaces tyrosine 705 with histidine.
Molecular consequence: missense variant.
Genome position (GRCh38, 1-based): chr16:23,630,041, A>G on the plus strand (T>C on the coding strand, the complement: PALB2 is on the minus strand). VCF-style: chr16-23630041-A-G. GRCh37 (hg19) VCF-style: chr16-23641362-A-G.
Other names: short protein forms Y705H.
Identifiers: ClinVar variation 1318515 (VCV001318515.7), dbSNP rs2142380766, ClinGen allele CA395125771.